The following is an entry in ClinVar:

NM_020975.6(RET):c.1294G>A (p.Ala432Thr)

Gene: RET (ret proto-oncogene; plus strand). Cytogenetic location: 10q11.21.
Variant type: single nucleotide variant.
Coding change: c.1294G>A on transcript NM_020975.6 (MANE Select); coding-DNA position 1294, G replaced by A.
Protein change: p.Ala432Thr; replaces alanine 432 with threonine.
Molecular consequence: missense variant.
Genome position (GRCh38, 1-based): chr10:43,111,237, G>A. VCF-style: chr10-43111237-G-A. GRCh37 (hg19) VCF-style: chr10-43606685-G-A.
Other names: c.1294G>A (NM_020630.5); c.1294G>A, p.Ala432Thr (NM_000323.2, NM_001406743.1, NM_001406744.1 and 6 more transcripts); c.532G>A, p.Ala178Thr (NM_001355216.2); c.1165G>A, p.Ala389Thr (NM_001406761.1, NM_001406762.1, NM_001406764.1 and 1 more transcripts); c.1006G>A, p.Ala336Thr (NM_001406766.1, NM_001406767.1, NM_001406770.1); c.898G>A, p.Ala300Thr (NM_001406769.1, NM_001406772.1); c.856G>A, p.Ala286Thr (NM_001406771.1, NM_001406773.1); c.769G>A, p.Ala257Thr (NM_001406774.1); and 2 more; short protein forms A178T, A432T, A102T, A286T, A190T, A336T, A389T, A300T.
Identifiers: ClinVar variation 639960 (VCV000639960.15), dbSNP rs780630024, ClinGen allele CA206261323.

ClinVar aggregate classification (germline): Uncertain significance. Review status: criteria provided, multiple submitters, no conflicts (2 of 4 stars). 4 submissions from 4 submitters: Uncertain significance (4). Last evaluated 2026-02-11.

Conditions:
Multiple endocrine neoplasia, type 2 (MEN2). Identifiers: Orphanet 653, MedGen C4048306, MONDO:0019003. Disease mechanism: gain of function.
Hereditary cancer-predisposing syndrome. Also called: Neoplastic Syndromes, Hereditary; Tumor predisposition; Hereditary Cancer Syndrome; Hereditary neoplastic syndrome. Identifiers: Orphanet 140162, MedGen C0027672, MeSH D009386, MONDO:0015356.
Multiple endocrine neoplasia type 2A. Also called: Multiple Endocrine Neoplasia Type 2A (MEN2A); MULTIPLE ENDOCRINE NEOPLASIA, TYPE IIA; PTC SYNDROME; SIPPLE SYNDROME; MEN 2A; MEN-2A syndrome. Identifiers: Orphanet 247698, Orphanet 653, MedGen C0025268, MeSH D018813, MONDO:0008234, OMIM 171400.

Allele frequency attached by ClinVar (database versions not stated): TOPMed below 0.00001; gnomAD exomes 0.00003.
gnomAD v4.1: 47 of 1,614,112 alleles (0.0029%); highest among the groups gnomAD compares: Non-Finnish European, 0.004%; no homozygotes.

Submissions (4):

St. Jude Molecular Pathology, St. Jude Children's Research Hospital
Classification: Uncertain significance for Multiple endocrine neoplasia type 2A. Last evaluated: 2026-02-11. Review status: criteria provided, single submitter. Criteria: St. Jude Assertion Criteria 2020. Collection method: clinical testing. Allele origin: germline.
Comment: The RET c.1294G>A p.(Ala432Thr) missense change is absent in gnomAD v2.1.1. The in silico tool REVEL predicts a benign effect on protein function, but to our knowledge this prediction has not been confirmed by functional studies. To our knowledge, this variant has not been reported in the literature in individuals with multiple endocrine neoplasia type II. In summary, the evidence currently available is insufficient to determine the clinical significance of this variant. It has therefore been classified as of uncertain significance.

Labcorp Genetics (formerly Invitae), Labcorp
Classification: Uncertain significance for Multiple endocrine neoplasia, type 2. Last evaluated: 2025-01-29. Review status: criteria provided, single submitter. Criteria: Invitae Variant Classification Sherloc (09022015). Collection method: clinical testing. Allele origin: germline.
Comment: This sequence change replaces alanine, which is neutral and non-polar, with threonine, which is neutral and polar, at codon 432 of the RET protein (p.Ala432Thr). This variant is not present in population databases (gnomAD no frequency). This variant has not been reported in the literature in individuals affected with RET-related conditions. ClinVar contains an entry for this variant (Variation ID: 639960). An algorithm developed to predict the effect of missense changes on protein structure and function (PolyPhen-2) suggests that this variant is likely to be tolerated. In summary, the available evidence is currently insufficient to determine the role of this variant in disease. Therefore, it has been classified as a Variant of Uncertain Significance.

Ambry Genetics
Classification: Uncertain significance for Hereditary cancer-predisposing syndrome. Last evaluated: 2024-04-01. Review status: criteria provided, single submitter. Criteria: Ambry Variant Classification Scheme 2023. Collection method: clinical testing. Allele origin: germline.
Comment: The p.A432T variant (also known as c.1294G>A), located in coding exon 7 of the RET gene, results from a G to A substitution at nucleotide position 1294. The alanine at codon 432 is replaced by threonine, an amino acid with similar properties. This amino acid position is conserved. In addition, this alteration is predicted to be tolerated by in silico analysis. Since supporting evidence is limited at this time, the clinical significance of this alteration remains unclear.

All of Us Research Program, National Institutes of Health
Classification: Uncertain significance for Multiple endocrine neoplasia, type 2. Last evaluated: 2023-06-26. Review status: criteria provided, single submitter. Criteria: ACMG Guidelines, 2015. Collection method: clinical testing. Allele origin: germline. Inheritance: Autosomal dominant inheritance. Observed: 1 variant allele, 1 heterozygote.
Comment: This missense variant replaces alanine with threonine at codon 432 of the RET protein. Computational prediction suggests that this variant may not impact protein structure and function (internally defined REVEL score threshold <= 0.5, PMID: 27666373). To our knowledge, functional studies have not been reported for this variant. This variant has not been reported in individuals affected with RET-related disorders in the literature. This variant has not been identified in the general population by the Genome Aggregation Database (gnomAD). The available evidence is insufficient to determine the role of this variant in disease conclusively. Therefore, this variant is classified as a Variant of Uncertain Significance.

This study involves interpretation of variants in research participants for the purpose of population health screening. Participant phenotype was not available at the time of variant classification. Additional details can be found in publication PMID: 35346344, PMCID: PMC8962531